The following is an entry in ClinVar:

ClinVar aggregate classification (germline): Uncertain significance (1 of 4 stars; one submission).

Conditions:
Malignant hyperthermia, susceptibility to, 5 (MHS5). Also called: CACNA1S-Related Malignant Hyperthermia Susceptibility. Identifiers: Orphanet 423, MedGen C1866077, MONDO:0011163, OMIM 601887.

Submission:

All of Us Research Program, National Institutes of Health
Classification: Uncertain significance for Malignant hyperthermia, susceptibility to, 5. Last evaluated: 2023-11-02. Review status: criteria provided, single submitter. Criteria: ACMG Guidelines, 2015. Collection method: clinical testing. Allele origin: germline. Inheritance: Autosomal dominant inheritance. Observed: 1 variant allele, 1 heterozygote.
Comment: This missense variant replaces asparagine with aspartic acid at codon 38 of the CACNA1S protein. Computational prediction suggests that this variant may have deleterious impact on protein structure and function (internally defined REVEL score threshold >= 0.7, PMID: 27666373). To our knowledge, functional studies have not been reported for this variant. This variant has not been reported in individuals affected with CACNA1S-related disorders in the literature. This variant has not been identified in the general population by the Genome Aggregation Database (gnomAD). The available evidence is insufficient to determine the role of this variant in disease conclusively. Therefore, this variant is classified as a Variant of Uncertain Significance.

This study involves interpretation of variants in research participants for the purpose of population health screening. Participant phenotype was not available at the time of variant classification. Additional details can be found in publication PMID: 35346344, PMCID: PMC8962531

NM_000069.3(CACNA1S):c.112A>G (p.Asn38Asp)

Gene: CACNA1S (calcium voltage-gated channel subunit alpha1 S; minus strand). Cytogenetic location: 1q32.1.
Variant type: single nucleotide variant.
Coding change: c.112A>G on transcript NM_000069.3 (MANE Select); coding-DNA position 112, A replaced by G.
Protein change: p.Asn38Asp; replaces asparagine 38 with aspartic acid.
Molecular consequence: missense variant.
Genome position (GRCh38, 1-based): chr1:201,112,228, T>C on the plus strand (A>G on the coding strand, the complement: CACNA1S is on the minus strand). VCF-style: chr1-201112228-T-C. GRCh37 (hg19) VCF-style: chr1-201081356-T-C.
Other names: short protein forms N38D.
Identifiers: ClinVar variation 3074234 (VCV003074234.1), dbSNP rs2464701476, ClinGen allele CA344157889.